The following is an entry in ClinVar:

NM_004064.5(CDKN1B):c.295T>C (p.Cys99Arg)

Gene: CDKN1B (cyclin dependent kinase inhibitor 1B; plus strand). Cytogenetic location: 12p13.1.
Variant type: single nucleotide variant.
Coding change: c.295T>C on transcript NM_004064.5 (MANE Select); coding-DNA position 295, T replaced by C.
Protein change: p.Cys99Arg; replaces cysteine 99 with arginine.
Molecular consequence: missense variant.
Genome position (GRCh38, 1-based): chr12:12,718,134, T>C. VCF-style: chr12-12718134-T-C. GRCh37 (hg19) VCF-style: chr12-12871068-T-C.
Other names: short protein forms C99R.
Identifiers: ClinVar variation 2754632 (VCV002754632.3), dbSNP rs2136356055, ClinGen allele CA383970098.
Genomic context (GRCh38, chr12:12,718,134, plus strand): 5'-GTGGAGAAGGGCAGCTTGCCCGAGTTCTACTACAGACCCCCGCGGCCCCCCAAAGGTGCC[T>C]GCAAGGTGCCGGCGCAGGAGAGCCAGGATGTCAGCGGGAGCCGCCCGGCGGCGCCTTTAA-3'
Protein context (NP_004055.1, residues 89-109): YRPPRPPKGA[Cys99Arg]KVPAQESQDV

ClinVar aggregate classification (germline): Uncertain significance (1 of 4 stars; one submission).

Conditions:
Multiple endocrine neoplasia type 4. Also called: MULTIPLE ENDOCRINE NEOPLASIA, TYPE IV. Identifiers: Orphanet 276152, MedGen C1970712, MONDO:0012552, OMIM 610755.

Submission:

Labcorp Genetics (formerly Invitae), Labcorp
Classification: Uncertain significance for Multiple endocrine neoplasia type 4. Last evaluated: 2023-08-23. Review status: criteria provided, single submitter. Criteria: Invitae Variant Classification Sherloc (09022015). Collection method: clinical testing. Allele origin: germline.
Comment: In summary, the available evidence is currently insufficient to determine the role of this variant in disease. Therefore, it has been classified as a Variant of Uncertain Significance. An algorithm developed to predict the effect of missense changes on protein structure and function (PolyPhen-2) suggests that this variant is likely to be tolerated. This variant has not been reported in the literature in individuals affected with CDKN1B-related conditions. This variant is not present in population databases (gnomAD no frequency). This sequence change replaces cysteine, which is neutral and slightly polar, with arginine, which is basic and polar, at codon 99 of the CDKN1B protein (p.Cys99Arg).